The following is an entry in ClinVar:

ClinVar aggregate classification (germline): Uncertain significance (1 of 4 stars; one submission).

Submission:

Ambry Genetics
Classification: Uncertain significance. Last evaluated: 2024-11-28. Review status: criteria provided, single submitter. Criteria: Ambry Variant Classification Scheme 2023. Collection method: clinical testing. Allele origin: germline.
Comment: The p.L284S variant (also known as c.851T>C), located in coding exon 9 of the FAM175A gene, results from a T to C substitution at nucleotide position 851. The leucine at codon 284 is replaced by serine, an amino acid with dissimilar properties. This amino acid position is conserved. In addition, this alteration is predicted to be deleterious by in silico analysis. Based on the available evidence, the clinical significance of this variant remains unclear.

NM_139076.3(ABRAXAS1):c.851T>C (p.Leu284Ser)

Gene: ABRAXAS1 (abraxas 1, BRCA1 A complex subunit; minus strand). Cytogenetic location: 4q21.23.
Variant type: single nucleotide variant.
Coding change: c.851T>C on transcript NM_139076.3 (MANE Select); coding-DNA position 851, T replaced by C.
Protein change: p.Leu284Ser; replaces leucine 284 with serine.
Molecular consequence: missense variant.
Genome position (GRCh38, 1-based): chr4:83,462,848, A>G on the plus strand (T>C on the coding strand, the complement: ABRAXAS1 is on the minus strand). VCF-style: chr4-83462848-A-G. GRCh37 (hg19) VCF-style: chr4-84384001-A-G.
Other names: c.524T>C, p.Leu175Ser (NM_001345962.2); short protein forms L175S, L284S.
Identifiers: ClinVar variation 3448777 (VCV003448777.1).
Genomic context (GRCh38, chr4:83,462,848, plus strand): 5'-CTATTTTTTAAAGACATAACACATGAATGAAGAAATTCAGAATTTGGAAAAAAGGTCCGT[A>G]ATGCCTGACAAAGAAAAATGTTCTCCTGAGGGTCTTTTTGGATGTTCTTCTCTCCTAAAC-3'
Protein context (NP_620775.2, residues 274-294): PQENIFLCQA[Leu284Ser]RTFFPNSEFL